The following is an entry in ClinVar:

ClinVar aggregate classification (germline): Uncertain significance. Review status: criteria provided, multiple submitters, no conflicts (2 of 4 stars). 2 submissions from 2 submitters: Uncertain significance (2). Last evaluated 2025-09-08.

Conditions:
Cardiomyopathy (CMYO). Also called: Cardiomyopathies. Identifiers: Orphanet 167848, MedGen C0878544, MONDO:0004994, HP:0001638. Inheritance: Various modes of inheritance.
Arrhythmogenic right ventricular dysplasia 5. Also called: Arrhythmogenic Right Ventricular Dysplasia/Cardiomyopathy 5; ARRHYTHMOGENIC RIGHT VENTRICULAR DYSPLASIA, FAMILIAL, 5. Identifiers: MedGen C1858379, MONDO:0011459, OMIM 604400.

Allele frequency attached by ClinVar (database versions not stated): gnomAD exomes below 0.00001.
gnomAD v4.1: 2 of 1,613,790 alleles (0.00012%); highest among the groups gnomAD compares: South Asian, 0.0022%; no homozygotes.

Submissions (2):

Labcorp Genetics (formerly Invitae), Labcorp
Classification: Uncertain significance for Arrhythmogenic right ventricular dysplasia 5. Last evaluated: 2025-09-08. Review status: criteria provided, single submitter. Criteria: Invitae Variant Classification Sherloc (09022015). Collection method: clinical testing. Allele origin: germline.
Comment: This sequence change replaces proline, which is neutral and non-polar, with serine, which is neutral and polar, at codon 74 of the TMEM43 protein (p.Pro74Ser). This variant is not present in population databases (gnomAD no frequency). This variant has not been reported in the literature in individuals affected with TMEM43-related conditions. ClinVar contains an entry for this variant (Variation ID: 920851). Invitae Evidence Modeling of protein sequence and biophysical properties (such as structural, functional, and spatial information, amino acid conservation, physicochemical variation, residue mobility, and thermodynamic stability) indicates that this missense variant is not expected to disrupt TMEM43 protein function with a negative predictive value of 80%. In summary, the available evidence is currently insufficient to determine the role of this variant in disease. Therefore, it has been classified as a Variant of Uncertain Significance.

Color Diagnostics, LLC DBA Color Health
Classification: Uncertain significance for Cardiomyopathy. Last evaluated: 2024-03-06. Review status: criteria provided, single submitter. Criteria: ACMG Guidelines, 2015. Collection method: clinical testing. Allele origin: germline.
Comment: This missense variant replaces proline with serine at codon 74 of the TMEM43 protein. Computational prediction suggests that this variant may not impact protein structure and function (internally defined REVEL score threshold <= 0.5, PMID: 27666373). To our knowledge, functional studies have not been reported for this variant. This variant has not been reported in individuals affected with cardiovascular disorders in the literature. This variant has not been identified in the general population by the Genome Aggregation Database (gnomAD). The available evidence is insufficient to determine the role of this variant in disease conclusively. Therefore, this variant is classified as a Variant of Uncertain Significance.

NM_024334.3(TMEM43):c.220C>T (p.Pro74Ser)

Gene: TMEM43 (transmembrane protein 43; plus strand). Cytogenetic location: 3p25.1.
Variant type: single nucleotide variant.
Coding change: c.220C>T on transcript NM_024334.3 (MANE Select); coding-DNA position 220, C replaced by T.
Protein change: p.Pro74Ser; replaces proline 74 with serine.
Molecular consequence: missense variant.
Genome position (GRCh38, 1-based): chr3:14,130,879, C>T. VCF-style: chr3-14130879-C-T. GRCh37 (hg19) VCF-style: chr3-14172379-C-T.
Other names: short protein forms P74S.
Identifiers: ClinVar variation 920851 (VCV000920851.5), dbSNP rs1695085245, ClinGen allele CA351534593.